The following is an entry in ClinVar:

ClinVar aggregate classification (germline): Uncertain significance (1 of 4 stars; one submission).

Conditions:
Evans syndrome, immunodeficiency, and premature immunosenescence associated with tripeptidyl-peptidase II deficiency. Identifiers: MedGen CN231723. Disease mechanism: loss of function.

Submission:

Labcorp Genetics (formerly Invitae), Labcorp
Classification: Uncertain significance for Evans syndrome, immunodeficiency, and premature immunosenescence associated with tripeptidyl-peptidase II deficiency. Last evaluated: 2024-04-13. Review status: criteria provided, single submitter. Criteria: Invitae Variant Classification Sherloc (09022015). Collection method: clinical testing. Allele origin: germline.
Comment: This sequence change replaces glycine, which is neutral and non-polar, with aspartic acid, which is acidic and polar, at codon 669 of the TPP2 protein (p.Gly669Asp). This variant is not present in population databases (gnomAD no frequency). This variant has not been reported in the literature in individuals affected with TPP2-related conditions. An algorithm developed to predict the effect of missense changes on protein structure and function (PolyPhen-2) suggests that this variant is likely to be disruptive. In summary, the available evidence is currently insufficient to determine the role of this variant in disease. Therefore, it has been classified as a Variant of Uncertain Significance.

NM_001330588.2(TPP2):c.2006G>A (p.Gly669Asp)

Gene: TPP2 (tripeptidyl peptidase 2; plus strand). Cytogenetic location: 13q33.1.
Variant type: single nucleotide variant.
Coding change: c.2006G>A on transcript NM_001330588.2 (MANE Select); coding-DNA position 2006, G replaced by A.
Protein change: p.Gly669Asp; replaces glycine 669 with aspartic acid.
Molecular consequence: missense variant. On other transcripts: non-coding transcript variant (1).
Genome position (GRCh38, 1-based): chr13:102,640,362, G>A. VCF-style: chr13-102640362-G-A. GRCh37 (hg19) VCF-style: chr13-103292712-G-A.
Other names: c.2006G>A, p.Gly669Asp (NM_001367947.1, NM_003291.4); short protein forms G669D.
Identifiers: ClinVar variation 3611619 (VCV003611619.2).
Genomic context (GRCh38, chr13:102,640,362, plus strand): 5'-TTACAGATGTACACTTTAAACCTGGTCAAATTCGAAGGCATTTTATTGAGGTTCCTGAGG[G>A]TGCAACATGGGCTGGTAGGTAAAATTAAAATCTGTGTGACCGCTTATCTCTGTTTACGTT-3'
Protein context (NP_001317517.1, residues 659-679): IRRHFIEVPE[Gly669Asp]ATWAEVTVCS